The following is an entry in ClinVar:

NM_005219.5(DIAPH1):c.880C>T (p.Arg294Cys)

Gene: DIAPH1 (diaphanous related formin 1; minus strand). Cytogenetic location: 5q31.3.
Variant type: single nucleotide variant.
Coding change: c.880C>T on transcript NM_005219.5 (MANE Select); coding-DNA position 880, C replaced by T.
Protein change: p.Arg294Cys; replaces arginine 294 with cysteine.
Molecular consequence: missense variant.
Genome position (GRCh38, 1-based): chr5:141,579,141, G>A on the plus strand (C>T on the coding strand, the complement: DIAPH1 is on the minus strand). VCF-style: chr5-141579141-G-A. GRCh37 (hg19) VCF-style: chr5-140958708-G-A.
Other names: c.853C>T, p.Arg285Cys (NM_001079812.3); c.880C>T, p.Arg294Cys (NM_001314007.2); short protein forms R285C, R294C.
Identifiers: ClinVar variation 3032518 (VCV003032518.4), dbSNP rs745742167, ClinGen allele CA3479457.

ClinVar aggregate classification (germline): Uncertain significance. Review status: criteria provided, single submitter (1 of 4 stars). 2 submissions from 2 submitters: Uncertain significance (1). 1 of the submissions does not count toward it. Last evaluated 2025-01-14.

Conditions:
DIAPH1-related disorder. Also called: DIAPH1-related condition.
Autosomal dominant nonsyndromic hearing loss 1. Also called: DEAFNESS, AUTOSOMAL DOMINANT 1, WITH OR WITHOUT THROMBOCYTOPENIA; KONIGSMARK SYNDROME. Identifiers: Orphanet 90635, MedGen C1852282, MONDO:0007424, OMIM 124900.
Progressive microcephaly-seizures-cortical blindness-developmental delay syndrome. Also called: Seizures, cortical blindness, and microcephaly syndrome. Identifiers: Orphanet 477814, MedGen C5567650, MONDO:0014714, OMIM 616632.

Allele frequency attached by ClinVar (database versions not stated): TOPMed below 0.00001; ExAC 0.00001; gnomAD exomes 0.00001.
gnomAD v4.1: 5 of 1,614,150 alleles (0.00031%); highest among the groups gnomAD compares: Non-Finnish European, 0.00042%; no homozygotes.

Submissions (2):

Labcorp Genetics (formerly Invitae), Labcorp
Classification: Uncertain significance for Progressive microcephaly-seizures-cortical blindness-developmental delay syndrome; Autosomal dominant nonsyndromic hearing loss 1. Last evaluated: 2025-01-14. Review status: criteria provided, single submitter. Criteria: Invitae Variant Classification Sherloc (09022015). Collection method: clinical testing. Allele origin: germline.
Comment: This sequence change replaces arginine, which is basic and polar, with cysteine, which is neutral and slightly polar, at codon 294 of the DIAPH1 protein (p.Arg294Cys). This variant is present in population databases (rs745742167, gnomAD 0.002%). This variant has not been reported in the literature in individuals affected with DIAPH1-related conditions. ClinVar contains an entry for this variant (Variation ID: 3032518). Experimental studies and prediction algorithms are not available or were not evaluated, and the functional significance of this variant is currently unknown. In summary, the available evidence is currently insufficient to determine the role of this variant in disease. Therefore, it has been classified as a Variant of Uncertain Significance.

PreventionGenetics, part of Exact Sciences
Classification: Uncertain significance for DIAPH1-related condition. Last evaluated: 2024-01-05. Review status: no assertion criteria provided. Collection method: clinical testing. Allele origin: germline. Not counted in ClinVar's aggregate classification.
Comment: The DIAPH1 c.880C>T variant is predicted to result in the amino acid substitution p.Arg294Cys. To our knowledge, this variant has not been reported in the literature. This variant is reported in 0.0018% of alleles in individuals of European (Non-Finnish) descent in gnomAD. At this time, the clinical significance of this variant is uncertain due to the absence of conclusive functional and genetic evidence.